The following is an entry in ClinVar:

NM_002335.4(LRP5):c.4438G>T (p.Gly1480Trp)

Gene: LRP5 (LDL receptor related protein 5; plus strand). Cytogenetic location: 11q13.2.
Variant type: single nucleotide variant.
Coding change: c.4438G>T on transcript NM_002335.4 (MANE Select); coding-DNA position 4438, G replaced by T.
Protein change: p.Gly1480Trp; replaces glycine 1480 with tryptophan.
Molecular consequence: missense variant.
Genome position (GRCh38, 1-based): chr11:68,439,866, G>T. VCF-style: chr11-68439866-G-T. GRCh37 (hg19) VCF-style: chr11-68207334-G-T.
Other names: c.2695G>T, p.Gly899Trp (NM_001291902.2); short protein forms G1480W, G899W.
Identifiers: ClinVar variation 2108894 (VCV002108894.4), dbSNP rs2496908610, ClinGen allele CA381616137.

ClinVar aggregate classification (germline): Uncertain significance (1 of 4 stars; one submission).

Allele frequency attached by ClinVar (database versions not stated): gnomAD exomes below 0.00001.
gnomAD v4.1: 1 of 1,602,354 alleles (0.000062%); highest among the groups gnomAD compares: Admixed American, 0.0017%; no homozygotes.

Submission:

Labcorp Genetics (formerly Invitae), Labcorp
Classification: Uncertain significance. Last evaluated: 2022-10-17. Review status: criteria provided, single submitter. Criteria: Invitae Variant Classification Sherloc (09022015). Collection method: clinical testing. Allele origin: germline.
Comment: In summary, the available evidence is currently insufficient to determine the role of this variant in disease. Therefore, it has been classified as a Variant of Uncertain Significance. Algorithms developed to predict the effect of missense changes on protein structure and function (SIFT, PolyPhen-2, Align-GVGD) all suggest that this variant is likely to be disruptive. This variant has not been reported in the literature in individuals affected with LRP5-related conditions. This variant is not present in population databases (gnomAD no frequency). This sequence change replaces glycine, which is neutral and non-polar, with tryptophan, which is neutral and slightly polar, at codon 1480 of the LRP5 protein (p.Gly1480Trp).